The following is an entry in ClinVar:

NM_000111.3(SLC26A3):c.972-14A>C

Gene: SLC26A3 (solute carrier family 26 member 3; minus strand). Cytogenetic location: 7q22.3.
Variant type: single nucleotide variant.
Coding change: c.972-14A>C on transcript NM_000111.3 (MANE Select); 14 bases into the intron before coding-DNA position 972, A replaced by C.
Molecular consequence: intron variant.
Genome position (GRCh38, 1-based): chr7:107,783,366, T>G on the plus strand (A>C on the coding strand, the complement: SLC26A3 is on the minus strand). VCF-style: chr7-107783366-T-G. GRCh37 (hg19) VCF-style: chr7-107423811-T-G.
Identifiers: ClinVar variation 910200 (VCV000910200.14), dbSNP rs188133558, ClinGen allele CA4433967.

ClinVar aggregate classification (germline): Benign/Likely benign. Review status: criteria provided, multiple submitters, no conflicts (2 of 4 stars). 4 submissions from 4 submitters: Benign (1); Likely benign (3). Last evaluated 2026-02-02.

Conditions:
Congenital secretory diarrhea, chloride type (DIAR1). Also called: CHLORIDORRHEA, CONGENITAL; DIARRHEA 1, SECRETORY CHLORIDE, CONGENITAL; CHLORIDE DIARRHEA, CONGENITAL, FINNISH TYPE. Identifiers: Orphanet 53689, MedGen C0267662, MONDO:0008964, OMIM 214700.

Allele frequency attached by ClinVar (database versions not stated): gnomAD exomes 0.00020 and 0.00081; gnomAD 0.00029 and 0.00034; TOPMed 0.00045; ExAC 0.00070; 1000 Genomes Project 0.00120; 1000 Genomes Project 30x 0.00125.
gnomAD v4.1: 362 of 1,614,074 alleles (0.022%); highest among the groups gnomAD compares: East Asian, 0.68%; 2 homozygotes.

Submissions (4):

Labcorp Genetics (formerly Invitae), Labcorp
Classification: Benign. Last evaluated: 2026-02-02. Review status: criteria provided, single submitter. Criteria: Invitae Variant Classification Sherloc (09022015). Collection method: clinical testing. Allele origin: germline.

Blueprint Genetics
Classification: Likely benign. Last evaluated: 2023-12-22. Review status: criteria provided, single submitter. Criteria: ACMG Guidelines, 2015. Collection method: clinical testing. Allele origin: germline.

Illumina Laboratory Services, Illumina
Classification: Likely benign for Congenital secretory diarrhea, chloride type. Last evaluated: 2018-01-13. Review status: criteria provided, single submitter. Criteria: ICSL Variant Classification Criteria 13 December 2019. Collection method: clinical testing. Allele origin: germline.
Comment: This variant was observed in the ICSL laboratory as part of a predisposition screen in an ostensibly healthy population. It had not been previously curated by ICSL or reported in the Human Gene Mutation Database (HGMD: prior to June 1st, 2018), and was therefore a candidate for classification through an automated scoring system. Utilizing variant allele frequency, disease prevalence and penetrance estimates, and inheritance mode, an automated score was calculated to assess if this variant is too frequent to cause the disease. Based on the score and internal cut-off values, a variant classified as likely benign is not then subjected to further curation. The score for this variant resulted in a classification of likely benign for this disease.

Breakthrough Genomics
Classification: Likely benign. Review status: criteria provided, single submitter. Criteria: ACMG Guidelines, 2015. Collection method: not provided. Allele origin: germline. Inheritance: Autosomal recessive inheritance. Affected: yes.